The following is an entry in ClinVar:

ClinVar aggregate classification (germline): Uncertain significance. Review status: criteria provided, multiple submitters, no conflicts (2 of 4 stars). 2 submissions from 2 submitters: Uncertain significance (2). Last evaluated 2025-08-15.

Conditions:
Epileptic encephalopathy. Identifiers: MedGen C0543888, HP:0200134.

Allele frequency attached by ClinVar (database versions not stated): gnomAD 0.00001; gnomAD exomes 0.00002.
gnomAD v4.1: 20 of 1,610,966 alleles (0.0012%); highest among the groups gnomAD compares: South Asian, 0.019%; 1 homozygote.

Submissions (2):

Labcorp Genetics (formerly Invitae), Labcorp
Classification: Uncertain significance for Epileptic encephalopathy. Last evaluated: 2025-08-15. Review status: criteria provided, single submitter. Criteria: Invitae Variant Classification Sherloc (09022015). Collection method: clinical testing. Allele origin: germline.
Comment: This sequence change replaces asparagine, which is neutral and polar, with lysine, which is basic and polar, at codon 2794 of the RYR3 protein (p.Asn2794Lys). This variant is present in population databases (no rsID available, gnomAD 0.02%). This variant has not been reported in the literature in individuals affected with RYR3-related conditions. ClinVar contains an entry for this variant (Variation ID: 1354625). Invitae Evidence Modeling of protein sequence and biophysical properties (such as structural, functional, and spatial information, amino acid conservation, physicochemical variation, residue mobility, and thermodynamic stability) indicates that this missense variant is not expected to disrupt RYR3 protein function with a negative predictive value of 80%. In summary, the available evidence is currently insufficient to determine the role of this variant in disease. Therefore, it has been classified as a Variant of Uncertain Significance.

Ambry Genetics
Classification: Uncertain significance. Last evaluated: 2025-04-25. Review status: criteria provided, single submitter. Criteria: Ambry Variant Classification Scheme 2023. Collection method: clinical testing. Allele origin: germline.

NM_001036.6(RYR3):c.8382T>G (p.Asn2794Lys)

Gene: RYR3 (ryanodine receptor 3; plus strand). Cytogenetic location: 15q14.
Variant type: single nucleotide variant.
Coding change: c.8382T>G on transcript NM_001036.6 (MANE Select); coding-DNA position 8382, T replaced by G.
Protein change: p.Asn2794Lys; replaces asparagine 2794 with lysine.
Molecular consequence: missense variant.
Genome position (GRCh38, 1-based): chr15:33,750,269, T>G. VCF-style: chr15-33750269-T-G. GRCh37 (hg19) VCF-style: chr15-34042470-T-G.
Other names: c.8382T>G, p.Asn2794Lys (NM_001243996.4); c.8382T>G (NM_001036.3); short protein forms N2794K.
Identifiers: ClinVar variation 1354625 (VCV001354625.8), dbSNP rs1424805766, ClinGen allele CA391584548.